The following is an entry in ClinVar:

ClinVar aggregate classification (germline): Conflicting classifications of pathogenicity. Review status: criteria provided, conflicting classifications (1 of 4 stars). 3 submissions from 3 submitters: Likely pathogenic (1); Uncertain significance (2). Last evaluated 2025-07-03.

Conditions:
Familial hemophagocytic lymphohistiocytosis 3 (FHL3). Also called: UNC13D-Related Familial Hemophagocytic Lymphohistiocytosis (UNC13D-fHLH). Identifiers: Orphanet 540, MedGen C1837174, MONDO:0012146, OMIM 608898.

Allele frequency attached by ClinVar (database versions not stated): gnomAD exomes 0.00001 and 0.00002; gnomAD 0.00001; TOPMed 0.00002.
gnomAD v4.1: 34 of 1,558,480 alleles (0.0022%); highest among the groups gnomAD compares: Non-Finnish European, 0.0029%; no homozygotes.

Submissions (3):

Women's Health and Genetics/Laboratory Corporation of America, LabCorp
Classification: Uncertain significance. Last evaluated: 2025-07-03. Review status: criteria provided, single submitter. Criteria: LabCorp Variant Classification Summary - May 2015. Collection method: clinical testing. Allele origin: germline.
Comment: Variant summary: UNC13D c.2672T>C (p.Leu891Pro) results in a non-conservative amino acid change located in the MUN domain of the encoded protein sequence. Algorithms developed to predict the effect of missense changes on protein structure and function all suggest that this variant is likely to be disruptive. The variant allele was found at a frequency of 6e-06 in 165568 control chromosomes. c.2672T>C has been observed in individuals affected with Familial Hemophagocytic Lymphohistiocytosis (Stadt_2006, Elstak_2012, internal data). These data indicate that the variant may be associated with disease. To our knowledge, no experimental evidence demonstrating an impact on protein function has been reported. The following publications have been ascertained in the context of this evaluation (PMID: 21755595, 16278825). ClinVar contains an entry for this variant (Variation ID: 1329069). Based on the evidence outlined above, the variant was classified as VUS-possibly pathogenic.

Labcorp Genetics (formerly Invitae), Labcorp
Classification: Likely pathogenic for Familial hemophagocytic lymphohistiocytosis 3. Last evaluated: 2024-02-12. Review status: criteria provided, single submitter. Criteria: Invitae Variant Classification Sherloc (09022015). Collection method: clinical testing. Allele origin: germline.
Comment: This sequence change replaces leucine, which is neutral and non-polar, with proline, which is neutral and non-polar, at codon 891 of the UNC13D protein (p.Leu891Pro). The frequency data for this variant in the population databases is considered unreliable, as metrics indicate poor data quality at this position in the gnomAD database. This missense change has been observed in individual(s) with hemophagocytic lymphohistiocytosis (PMID: 16278825, 21755595; Invitae). In at least one individual the data is consistent with being in trans (on the opposite chromosome) from a pathogenic variant. ClinVar contains an entry for this variant (Variation ID: 1329069). Advanced modeling of protein sequence and biophysical properties (such as structural, functional, and spatial information, amino acid conservation, physicochemical variation, residue mobility, and thermodynamic stability) performed at Invitae indicates that this missense variant is expected to disrupt UNC13D protein function with a positive predictive value of 80%. In summary, the currently available evidence indicates that the variant is pathogenic, but additional data are needed to prove that conclusively. Therefore, this variant has been classified as Likely Pathogenic.

Centre of Medical Genetics, University Hospital Muenster
Classification: Uncertain significance. Last evaluated: 2022-02-09. Review status: criteria provided, single submitter. Criteria: ACMG Guidelines, 2015. Collection method: clinical testing. Allele origin: germline. Affected: yes. Observed: 1 variant allele, 1 heterozygote.
Comment: ACMG categories: PM2,PP3

Literature cited by the submitters: PubMed 16278825 (cited by Women's Health and Genetics/Laboratory Corporation of America, LabCorp and Labcorp Genetics (formerly Invitae), Labcorp); PubMed 21755595 (cited by Women's Health and Genetics/Laboratory Corporation of America, LabCorp and Labcorp Genetics (formerly Invitae), Labcorp).

NM_199242.3(UNC13D):c.2672T>C (p.Leu891Pro)

Genes: UNC13D (unc-13 homolog D; minus strand), LOC112533672 (Sharpr-MPRA regulatory region 1193; plus strand). Cytogenetic location: 17q25.1.
Variant type: single nucleotide variant.
Coding change: c.2672T>C on transcript NM_199242.3 (MANE Select); coding-DNA position 2672, T replaced by C.
Protein change: p.Leu891Pro; replaces leucine 891 with proline.
Molecular consequence: missense variant.
Genome position (GRCh38, 1-based): chr17:75,830,615, A>G on the plus strand (T>C on the coding strand, the complement: UNC13D is on the minus strand). VCF-style: chr17-75830615-A-G. GRCh37 (hg19) VCF-style: chr17-73826696-A-G.
Other names: short protein forms L891P.
Identifiers: ClinVar variation 1329069 (VCV001329069.14), dbSNP rs1359661881, ClinGen allele CA401080712.